The following is an entry in ClinVar:

NM_001387283.1(SMARCA4):c.4258G>C (p.Ala1420Pro)

Gene: SMARCA4 (SWI/SNF related BAF chromatin remodeling complex subunit ATPase 4; plus strand). Cytogenetic location: 19p13.2.
Variant type: single nucleotide variant.
Coding change: c.4258G>C on transcript NM_001387283.1 (MANE Plus Clinical); coding-DNA position 4258, G replaced by C.
Protein change: p.Ala1420Pro; replaces alanine 1420 with proline.
Molecular consequence: missense variant. On other transcripts: intron variant (7).
Genome position (GRCh38, 1-based): chr19:11,039,545, G>C. VCF-style: chr19-11039545-G-C. GRCh37 (hg19) VCF-style: chr19-11150221-G-C.
Other names: c.4072-1753G>C (NM_001128845.2, NM_001128846.2); c.4072-1762G>C (NM_001128848.2, NM_001128847.4, NM_001374457.1); c.4258G>C, p.Ala1420Pro (NM_001128849.3); c.4159G>C, p.Ala1387Pro (NM_001411150.1); c.4171-1762G>C (NM_001128844.3, NM_003072.5); short protein forms A1387P, A1420P.
Identifiers: ClinVar variation 1721366 (VCV001721366.5), dbSNP rs2515444689, ClinGen allele CA404071874.

ClinVar aggregate classification (germline): Uncertain significance (1 of 4 stars; one submission).

Conditions:
Rhabdoid tumor predisposition syndrome 2 (RTPS2). Identifiers: Orphanet 231108, Orphanet 69077, MedGen C2750074, MONDO:0013224, OMIM 613325.

Submission:

Labcorp Genetics (formerly Invitae), Labcorp
Classification: Uncertain significance for Rhabdoid tumor predisposition syndrome 2. Last evaluated: 2022-10-10. Review status: criteria provided, single submitter. Criteria: Invitae Variant Classification Sherloc (09022015). Collection method: clinical testing. Allele origin: germline.
Comment: This variant has not been reported in the literature in individuals affected with SMARCA4-related conditions. In summary, the available evidence is currently insufficient to determine the role of this variant in disease. Therefore, it has been classified as a Variant of Uncertain Significance. Algorithms developed to predict the effect of missense changes on protein structure and function (SIFT, PolyPhen-2, Align-GVGD) all suggest that this variant is likely to be tolerated. This variant is not present in population databases (gnomAD no frequency). This sequence change replaces alanine, which is neutral and non-polar, with proline, which is neutral and non-polar, at codon 1420 of the SMARCA4 protein (p.Ala1420Pro).